The following is an entry in ClinVar:

NM_006648.4(WNK2):c.2444C>T (p.Pro815Leu)

Gene: WNK2 (WNK lysine deficient protein kinase 2; plus strand). Cytogenetic location: 9q22.31.
Variant type: single nucleotide variant.
Coding change: c.2444C>T on transcript NM_006648.4 (MANE Select); coding-DNA position 2444, C replaced by T.
Protein change: p.Pro815Leu; replaces proline 815 with leucine.
Molecular consequence: missense variant.
Genome position (GRCh38, 1-based): chr9:93,258,992, C>T. VCF-style: chr9-93258992-C-T. GRCh37 (hg19) VCF-style: chr9-96021274-C-T.
Other names: c.2444C>T, p.Pro815Leu (NM_001282394.3); short protein forms P815L.
Identifiers: ClinVar variation 2227377 (VCV002227377.3), dbSNP rs148781404, ClinGen allele CA5129643.

ClinVar aggregate classification (germline): Uncertain significance (1 of 4 stars; one submission).

Allele frequency attached by ClinVar (database versions not stated): gnomAD exomes 0.00003; TOPMed 0.00006; gnomAD 0.00007; ExAC 0.00008; ESP Exome Variant Server 0.00023.
gnomAD v4.1: 61 of 1,612,760 alleles (0.0038%); highest among the groups gnomAD compares: African/African-American, 0.023%; no homozygotes.

Submission:

Ambry Genetics
Classification: Uncertain significance. Last evaluated: 2024-11-22. Review status: criteria provided, single submitter. Criteria: Ambry Variant Classification Scheme 2023. Collection method: clinical testing. Allele origin: germline.
Comment: The p.P815L variant (also known as c.2444C>T), located in coding exon 11 of the WNK2 gene, results from a C to T substitution at nucleotide position 2444. The proline at codon 815 is replaced by leucine, an amino acid with similar properties. This amino acid position is conserved. In addition, this alteration is predicted to be tolerated by in silico analysis. Based on the available evidence, the clinical significance of this variant remains unclear.